The following is an entry in ClinVar:

ClinVar aggregate classification (germline): Uncertain significance (1 of 4 stars; one submission).

Submission:

Labcorp Genetics (formerly Invitae), Labcorp
Classification: Uncertain significance. Last evaluated: 2023-10-14. Review status: criteria provided, single submitter. Criteria: Invitae Variant Classification Sherloc (09022015). Collection method: clinical testing. Allele origin: germline.
Comment: This sequence change replaces leucine, which is neutral and non-polar, with phenylalanine, which is neutral and non-polar, at codon 966 of the NALCN protein (p.Leu966Phe). This variant is not present in population databases (gnomAD no frequency). This variant has not been reported in the literature in individuals affected with NALCN-related conditions. Advanced modeling of protein sequence and biophysical properties (such as structural, functional, and spatial information, amino acid conservation, physicochemical variation, residue mobility, and thermodynamic stability) performed at Invitae indicates that this missense variant is not expected to disrupt NALCN protein function. In summary, the available evidence is currently insufficient to determine the role of this variant in disease. Therefore, it has been classified as a Variant of Uncertain Significance.

NM_052867.4(NALCN):c.2898G>C (p.Leu966Phe)

Gene: NALCN (sodium leak channel, non-selective; minus strand). Cytogenetic location: 13q33.1.
Variant type: single nucleotide variant.
Coding change: c.2898G>C on transcript NM_052867.4 (MANE Select); coding-DNA position 2898, G replaced by C.
Protein change: p.Leu966Phe; replaces leucine 966 with phenylalanine.
Molecular consequence: missense variant.
Genome position (GRCh38, 1-based): chr13:101,103,331, C>G on the plus strand (G>C on the coding strand, the complement: NALCN is on the minus strand). VCF-style: chr13-101103331-C-G. GRCh37 (hg19) VCF-style: chr13-101755682-C-G.
Other names: c.2985G>C, p.Leu995Phe (NM_001350748.2); c.2898G>C, p.Leu966Phe (NM_001350749.2); c.2811G>C, p.Leu937Phe (NM_001350750.2, NM_001350751.2); short protein forms L937F, L995F, L966F.
Identifiers: ClinVar variation 2859842 (VCV002859842.3), dbSNP rs2502143210, ClinGen allele CA388669453.